The following is an entry in ClinVar:

NM_001267550.2(TTN):c.72514A>G (p.Asn24172Asp)

Genes: TTN (titin; minus strand), TTN-AS1 (TTN antisense RNA 1; plus strand). Cytogenetic location: 2q31.2.
Variant type: single nucleotide variant.
Coding change: c.72514A>G on transcript NM_001267550.2 (MANE Select); coding-DNA position 72514, A replaced by G.
Protein change: p.Asn24172Asp; replaces asparagine 24172 with aspartic acid.
Molecular consequence: missense variant.
Genome position (GRCh38, 1-based): chr2:178,573,618, T>C on the plus strand (A>G on the coding strand, the complement: TTN is on the minus strand). VCF-style: chr2-178573618-T-C. GRCh37 (hg19) VCF-style: chr2-179438345-T-C.
Other names: c.67591A>G, p.Asn22531Asp (NM_001256850.1); c.45319A>G, p.Asn15107Asp (NM_003319.4); c.64810A>G, p.Asn21604Asp (NM_133378.4); c.45694A>G, p.Asn15232Asp (NM_133432.3); c.45895A>G, p.Asn15299Asp (NM_133437.4); short protein forms N21604D, N24172D, N15107D, N15299D, N15232D, N22531D.
Identifiers: ClinVar variation 618454 (VCV000618454.8), dbSNP rs1457842450, ClinGen allele CA349646818.

ClinVar aggregate classification (germline): Uncertain significance (1 of 4 stars; one submission).

Allele frequency attached by ClinVar (database versions not stated): gnomAD exomes below 0.00001; TOPMed below 0.00001; gnomAD 0.00001.
gnomAD v4.1: 6 of 1,500,330 alleles (0.0004%); highest among the groups gnomAD compares: Non-Finnish European, 0.00027%; no homozygotes.

Submission:

ARUP Laboratories, Molecular Genetics and Genomics, ARUP Laboratories
Classification: Uncertain significance. Last evaluated: 2017-06-26. Review status: criteria provided, single submitter. Criteria: ARUP Molecular Germline Variant Investigation Process. Collection method: clinical testing. Allele origin: germline.
Comment: The p.Asn21604Asp variant has not been reported in the medical literature, is not listed in gene-specific variant databases, nor has it been previously identified in our laboratory. It is listed in the Genome Aggregation Database (gnomAD) browser with an overall frequency of 0.003% (identified in 1 out of 30,918 chromosomes). The asparagine at codon 21604 is highly conserved considering 10 species up to Megabat (Alamut software v2.9), although computational analyses return mixed results regarding the effect of this variant on TTN protein structure/function (SIFT: damaging, PolyPhen2: benign, and Mutation Taster: disease causing). Therefore, based on the available information, the clinical significance of the p.Asn21604Asp variant cannot be determined with certainty.